The following is an entry in ClinVar:

NM_001244008.2(KIF1A):c.2716G>A (p.Val906Met)

Gene: KIF1A (kinesin family member 1A; minus strand). Cytogenetic location: 2q37.3.
Variant type: single nucleotide variant.
Coding change: c.2716G>A on transcript NM_001244008.2 (MANE Select); coding-DNA position 2716, G replaced by A.
Protein change: p.Val906Met; replaces valine 906 with methionine.
Molecular consequence: missense variant. On other transcripts: intron variant (18).
Genome position (GRCh38, 1-based): chr2:240,757,461, C>T on the plus strand (G>A on the coding strand, the complement: KIF1A is on the minus strand). VCF-style: chr2-240757461-C-T. GRCh37 (hg19) VCF-style: chr2-241696878-C-T.
Other names: c.2791G>A, p.Val931Met (NM_001379631.1); c.2665G>A, p.Val889Met (NM_001379632.1); c.2689G>A, p.Val897Met (NM_001379633.1, NM_001379642.1, NM_001379645.1); c.2555+899G>A (NM_001379653.1, NM_001379650.1, NM_001379640.1 and 6 more transcripts); c.2657+899G>A (NM_001379635.1, NM_001330290.2, NM_001379646.1 and 1 more transcripts); c.2630+899G>A (NM_001379637.1, NM_001379648.1); c.2582+899G>A (NM_001320705.2, NM_001379638.1, NM_001330289.2); short protein forms V906M, V889M, V897M, V931M.
Identifiers: ClinVar variation 430479 (VCV000430479.2), dbSNP rs763933124, ClinGen allele CA2208035.

ClinVar aggregate classification (germline): Uncertain significance (1 of 4 stars; one submission).

Allele frequency attached by ClinVar (database versions not stated): gnomAD exomes 0.00003; TOPMed 0.00003; gnomAD 0.00005 and 0.00006; ExAC 0.00006.
gnomAD v4.1: 28 of 1,550,148 alleles (0.0018%); highest among the groups gnomAD compares: Middle Eastern, 0.017%; no homozygotes.

Submission:

GeneDx
Classification: Uncertain significance. Last evaluated: 2017-05-26. Review status: criteria provided, single submitter. Criteria: GeneDx Variant Classification (06012015). Collection method: clinical testing. Allele origin: germline. Affected: yes.
Comment: A variant of uncertain significance has been identified in an alternate transcript of the KIF1A gene. The V906M variant has not been published as a pathogenic variant, nor has it been reported as a benign variant to our knowledge. The V906M variant is not observed at a significant frequency in large population cohorts (Lek et al., 2016; 1000 Genomes Consortium et al., 2015; Exome Variant Server). The V906M variant is a conservative amino acid substitution, which is not likely to impact secondary protein structure as these residues share similar properties. This substitution occurs at a position that is not conserved. Furthermore, this amino acid substitution does not occur within the predicted motor domain of the protein, where all pathogenic missense KIF1A pathogenic variants have been identified to-date (Lee et al., 2014). However, in silico analysis is inconsistent in its predictions as to whether or not the variant is damaging to the protein structure/function. Therefore, based on the currently available information, it is unclear whether this variant is a pathogenic variant or a rare benign variant.